The following is an entry in ClinVar:

NM_001375380.1(EBF3):c.1387A>G (p.Asn463Asp)

Gene: EBF3 (EBF transcription factor 3; minus strand). Cytogenetic location: 10q26.3.
Variant type: single nucleotide variant.
Coding change: c.1387A>G on transcript NM_001375380.1 (MANE Select); coding-DNA position 1387, A replaced by G.
Protein change: p.Asn463Asp; replaces asparagine 463 with aspartic acid.
Molecular consequence: missense variant. On other transcripts: intron variant (1).
Genome position (GRCh38, 1-based): chr10:129,841,018, T>C on the plus strand (A>G on the coding strand, the complement: EBF3 is on the minus strand). VCF-style: chr10-129841018-T-C. GRCh37 (hg19) VCF-style: chr10-131639282-T-C.
Other names: c.1360A>G, p.Asn454Asp (NM_001005463.3, NM_001375390.1); c.1387A>G, p.Asn463Asp (NM_001375379.1, NM_001375389.1, NM_001375391.1); c.1346-576A>G (NM_001375392.1); short protein forms N454D, N463D.
Identifiers: ClinVar variation 3771983 (VCV003771983.13).
Genomic context (GRCh38, chr10:129,841,018, plus strand): 5'-AATTGGACTGCTGGGGAGTACTGCTGGGGACGTAGCCTCGCGGGGACACGCTGCTTGTAT[T>C]GCGACTGTAGCCGACTGTTGAAATCCCCCCCCCGGCCAAAAATAACATTATTATCAGCGA-3'
Protein context (NP_001362309.1, residues 453-473): QANDQVGYSR[Asn463Asp]TSSVSPRGYV

ClinVar aggregate classification (germline): Uncertain significance (1 of 4 stars; one submission).

Submission:

CeGaT Center for Human Genetics Tuebingen
Classification: Uncertain significance. Last evaluated: 2025-01-01. Review status: criteria provided, single submitter. Criteria: CeGaT Center For Human Genetics Tuebingen Variant Classification Criteria Version 2. Collection method: clinical testing. Allele origin: germline. Affected: yes. Observed: 1 variant allele.
Comment: EBF3: PM2